The following is an entry in ClinVar:

ClinVar aggregate classification (germline): Likely pathogenic (1 of 4 stars; one submission).

Conditions:
SMAD4-related disorder. Also called: SMAD4-related condition; SMAD4-Related disorders.

Submission:

PreventionGenetics, part of Exact Sciences
Classification: Likely pathogenic for SMAD4-related condition. Last evaluated: 2025-04-28. Review status: criteria provided, single submitter. Criteria: ACMG Guidelines, 2015. Collection method: clinical testing. Allele origin: germline.
Comment: The SMAD4 c.872A>G variant is predicted to result in the amino acid substitution p.His291Arg. To our knowledge, this variant has not been reported in the literature or in a large population database (gnomAD), indicating this variant is rare. This variant is interpreted as likely pathogenic.

NM_005359.6(SMAD4):c.872A>G (p.His291Arg)

Gene: SMAD4 (SMAD family member 4; plus strand). Cytogenetic location: 18q21.2.
Variant type: single nucleotide variant.
Coding change: c.872A>G on transcript NM_005359.6 (MANE Select); coding-DNA position 872, A replaced by G.
Protein change: p.His291Arg; replaces histidine 291 with arginine.
Molecular consequence: missense variant. On other transcripts: non-coding transcript variant (2).
Genome position (GRCh38, 1-based): chr18:51,058,424, A>G. VCF-style: chr18-51058424-A-G. GRCh37 (hg19) VCF-style: chr18-48584794-A-G.
Other names: c.872A>G, p.His291Arg (NM_001407041.1, NM_001407042.1, NM_001407043.1); short protein forms H291R.
Identifiers: ClinVar variation 5000996 (VCV005000996.1).
Genomic context (GRCh38, chr18:51,058,424, plus strand): 5'-GTAGGACTGCACCATACACACCTAATTTGCCTCACCACCAAAACGGCCATCTTCAGCACC[A>G]CCCGCCTATGCCGCCCCATCCCGGACATTACTGTAAGCTCTTGTTTTTGTTGTAAGGGCT-3'
Protein context (NP_005350.1, residues 281-301): PHHQNGHLQH[His291Arg]PPMPPHPGHY